The following is an entry in ClinVar:

ClinVar aggregate classification (germline): Pathogenic/Likely pathogenic. Review status: criteria provided, multiple submitters, no conflicts (2 of 4 stars). 2 submissions from 2 submitters: Pathogenic (1); Likely pathogenic (1). Last evaluated 2025-08-03.

Conditions:
Hyperphosphatasia with impaired intellectual development syndrome 2. Also called: GLYCOSYLPHOSPHATIDYLINOSITOL BIOSYNTHESIS DEFECT 6; Hyperphosphatasia with intellectual disability syndrome 2. Identifiers: Orphanet 247262, MedGen C3553637, MONDO:0013882, OMIM 614749.

Allele frequency attached by ClinVar (database versions not stated): ExAC 0.00003; gnomAD 0.00007; ESP Exome Variant Server 0.00008; gnomAD exomes 0.00004; TOPMed 0.00005.
gnomAD v4.1: 91 of 1,614,072 alleles (0.0056%); highest among the groups gnomAD compares: Middle Eastern, 0.033%; no homozygotes.

Submissions (2):

Labcorp Genetics (formerly Invitae), Labcorp
Classification: Pathogenic for Hyperphosphatasia with impaired intellectual development syndrome 2. Last evaluated: 2025-08-03. Review status: criteria provided, single submitter. Criteria: Invitae Variant Classification Sherloc (09022015). Collection method: clinical testing. Allele origin: germline.
Comment: This sequence change creates a premature translational stop signal (p.Arg122*) in the PIGO gene. It is expected to result in an absent or disrupted protein product. Loss-of-function variants in PIGO are known to be pathogenic (PMID: 22683086, 24417746). This variant is present in population databases (rs375682284, gnomAD 0.008%). This variant has not been reported in the literature in individuals affected with PIGO-related conditions. ClinVar contains an entry for this variant (Variation ID: 421377). For these reasons, this variant has been classified as Pathogenic.

GeneDx
Classification: Likely pathogenic. Last evaluated: 2024-03-08. Review status: criteria provided, single submitter. Criteria: GeneDx Variant Classification Process June 2021. Collection method: clinical testing. Allele origin: germline. Affected: yes.
Comment: Nonsense variant predicted to result in protein truncation or nonsense mediated decay in a gene for which loss of function is a known mechanism of disease; Not observed at significant frequency in large population cohorts (gnomAD); Has not been previously published as pathogenic or benign to our knowledge; This variant is associated with the following publications: (PMID: 24417746, 22683086)

Literature cited by the submitters: PubMed 22683086 (cited by Labcorp Genetics (formerly Invitae), Labcorp); PubMed 24417746 (cited by Labcorp Genetics (formerly Invitae), Labcorp).

NM_032634.4(PIGO):c.364C>T (p.Arg122Ter)

Gene: PIGO (phosphatidylinositol glycan anchor biosynthesis class O; minus strand). Cytogenetic location: 9p13.3.
Variant type: single nucleotide variant.
Coding change: c.364C>T on transcript NM_032634.4 (MANE Select); coding-DNA position 364, C replaced by T.
Protein change: p.Arg122Ter; replaces arginine 122 with a stop codon.
Molecular consequence: nonsense.
Genome position (GRCh38, 1-based): chr9:35,095,202, G>A on the plus strand (C>T on the coding strand, the complement: PIGO is on the minus strand). VCF-style: chr9-35095202-G-A. GRCh37 (hg19) VCF-style: chr9-35095199-G-A.
Other names: c.364C>T, p.Arg122Ter (NM_001201484.2, NM_152850.4); short protein forms R122*.
Identifiers: ClinVar variation 421377 (VCV000421377.16), dbSNP rs375682284, ClinGen allele CA5040960.